The following is an entry in ClinVar:

ClinVar aggregate classification (germline): Likely benign (0 of 4 stars; one submission).

Conditions:
MYH9-related disorder. Identifiers: MedGen C1854520.

Submission:

PreventionGenetics, part of Exact Sciences
Classification: Likely benign for MYH9-related condition. Last evaluated: 2024-03-12. Review status: no assertion criteria provided. Collection method: clinical testing. Allele origin: germline.
Comment: This variant is classified as likely benign based on ACMG/AMP sequence variant interpretation guidelines (Richards et al. 2015 PMID: 25741868, with internal and published modifications).

NM_002473.6(MYH9):c.1332C>T (p.Gly444=)

Gene: MYH9 (myosin heavy chain 9; minus strand). Cytogenetic location: 22q12.3.
Variant type: single nucleotide variant.
Coding change: c.1332C>T on transcript NM_002473.6 (MANE Select); coding-DNA position 1332, C replaced by T.
Protein change: p.Gly444=; no amino-acid change (glycine 444 retained).
Molecular consequence: synonymous variant.
Genome position (GRCh38, 1-based): chr22:36,316,565, G>A on the plus strand (C>T on the coding strand, the complement: MYH9 is on the minus strand). VCF-style: chr22-36316565-G-A. GRCh37 (hg19) VCF-style: chr22-36712610-G-A.
Identifiers: ClinVar variation 3348326 (VCV003348326.1).